The following is an entry in ClinVar:

NM_000506.5(F2):c.978G>A (p.Pro326=)

Gene: F2 (coagulation factor II, thrombin; plus strand). Cytogenetic location: 11p11.2.
Variant type: single nucleotide variant.
Coding change: c.978G>A on transcript NM_000506.5 (MANE Select); coding-DNA position 978, G replaced by A.
Protein change: p.Pro326=; no amino-acid change (proline 326 retained).
Molecular consequence: synonymous variant.
Genome position (GRCh38, 1-based): chr11:46,726,601, G>A. VCF-style: chr11-46726601-G-A. GRCh37 (hg19) VCF-style: chr11-46748151-G-A.
Other names: c.978G>A (NM_000506.4).
Identifiers: ClinVar variation 304814 (VCV000304814.9), dbSNP rs142949009, ClinGen allele CA5967118.

ClinVar aggregate classification (germline): Conflicting classifications of pathogenicity. Review status: criteria provided, conflicting classifications (1 of 4 stars). 4 submissions from 3 submitters: Uncertain significance (2); Likely benign (2). Last evaluated 2026-06-23.

Conditions:
Thrombophilia due to thrombin defect (THPH1). Also called: Prothrombin Thrombophilia; Thrombosis susceptibility; THROMBOPHILIA DUE TO FACTOR 2 DEFECT; Prothrombin-Related Thrombophilia (Factor II). Identifiers: MedGen C3160733, MONDO:0008559, OMIM 188050. Disease mechanism: gain of function, loss of function.
F2-related disorder. Also called: F2-related condition; F2-related disorders.
Congenital prothrombin deficiency. Also called: Factor II deficiency; Hereditary factor II deficiency disease; HYPOPROTHROMBINEMIA; Inherited hypoprothrombinemia; Congenital factor II deficiency; Inherited prothrombin deficiency. Identifiers: Orphanet 325, MedGen C0272317, MONDO:0013361, OMIM 613679.

Allele frequency attached by ClinVar (database versions not stated): gnomAD 0.00005; ExAC 0.00006; gnomAD exomes 0.00007; TOPMed 0.00008; ESP Exome Variant Server 0.00023.

Submissions (4):

PreventionGenetics, part of Exact Sciences
Classification: Likely benign for F2-related condition. Last evaluated: 2026-06-23. Review status: criteria provided, single submitter. Criteria: ACMG Guidelines, 2015. Collection method: clinical testing. Allele origin: germline.
Comment: This variant is classified as likely benign based on ACMG/AMP sequence variant interpretation guidelines (Richards et al. 2015 PMID: 25741868, with internal and published modifications).

Labcorp Genetics (formerly Invitae), Labcorp
Classification: Likely benign for Congenital prothrombin deficiency. Last evaluated: 2024-08-03. Review status: criteria provided, single submitter. Criteria: Invitae Variant Classification Sherloc (09022015). Collection method: clinical testing. Allele origin: germline.

Illumina Laboratory Services, Illumina
Classification: Uncertain significance for Thrombophilia due to thrombin defect. Last evaluated: 2018-01-12. Review status: criteria provided, single submitter. Criteria: ICSL Variant Classification Criteria 13 December 2019. Collection method: clinical testing. Allele origin: germline.

Illumina Laboratory Services, Illumina
Classification: Uncertain significance for Congenital prothrombin deficiency. Last evaluated: 2018-01-12. Review status: criteria provided, single submitter. Criteria: ICSL Variant Classification Criteria 13 December 2019. Collection method: clinical testing. Allele origin: germline.